The following is an entry in ClinVar:

ClinVar aggregate classification (germline): Uncertain significance. Review status: criteria provided, multiple submitters, no conflicts (2 of 4 stars). 4 submissions from 4 submitters: Uncertain significance (4). Last evaluated 2024-09-11.

Conditions:
Emery-Dreifuss muscular dystrophy 4, autosomal dominant (EDMD4). Also called: EMERY-DREIFUSS MUSCULAR DYSTROPHY 4 WITH VARIABLE FEATURES. Identifiers: Orphanet 261, MedGen C2751807, MONDO:0013071, OMIM 612998.
Autosomal recessive ataxia, Beauce type. Also called: SYNE1-Related Autosomal Recessive Cerebellar Ataxia; ATAXIA, RECESSIVE, OF BEAUCE; Spinocerebellar ataxia, autosomal recessive 8; SYNE1 Deficiency. Identifiers: Orphanet 88644, MedGen C1853116, MONDO:0012549, OMIM 610743.

Allele frequency attached by ClinVar (database versions not stated): gnomAD 0.00003; TOPMed 0.00005; gnomAD exomes 0.00008 and 0.00009; ExAC 0.00010.
gnomAD v4.1: 139 of 1,612,432 alleles (0.0086%); highest among the groups gnomAD compares: Middle Eastern, 0.016%; no homozygotes.

Submissions (4):

Revvity Omics, Revvity
Classification: Uncertain significance. Last evaluated: 2024-09-11. Review status: criteria provided, single submitter. Criteria: ACMG Guidelines, 2015. Collection method: clinical testing. Allele origin: germline.

Labcorp Genetics (formerly Invitae), Labcorp
Classification: Uncertain significance for Emery-Dreifuss muscular dystrophy 4, autosomal dominant; Autosomal recessive ataxia, Beauce type. Last evaluated: 2024-04-22. Review status: criteria provided, single submitter. Criteria: Invitae Variant Classification Sherloc (09022015). Collection method: clinical testing. Allele origin: germline.
Comment: This sequence change replaces arginine, which is basic and polar, with glutamine, which is neutral and polar, at codon 655 of the SYNE1 protein (p.Arg655Gln). This variant is present in population databases (rs768605521, gnomAD 0.03%). This variant has not been reported in the literature in individuals affected with SYNE1-related conditions. ClinVar contains an entry for this variant (Variation ID: 618411). An algorithm developed to predict the effect of missense changes on protein structure and function (PolyPhen-2) suggests that this variant is likely to be disruptive. In summary, the available evidence is currently insufficient to determine the role of this variant in disease. Therefore, it has been classified as a Variant of Uncertain Significance.

Blueprint Genetics
Classification: Uncertain significance. Last evaluated: 2024-02-23. Review status: criteria provided, single submitter. Criteria: ACMG Guidelines, 2015. Collection method: clinical testing. Allele origin: germline.

ARUP Laboratories, Molecular Genetics and Genomics, ARUP Laboratories
Classification: Uncertain significance. Last evaluated: 2018-05-05. Review status: criteria provided, single submitter. Criteria: ARUP Molecular Germline Variant Investigation Process. Collection method: clinical testing. Allele origin: germline.
Comment: The SYNE1 c.1964G>A; p.Arg655Gln variant (rs768605521), to our knowledge, is not reported in the medical literature, gene specific variation databases, nor has it been previously identified by our laboratory. This variant is listed in the genome Aggregation Database (gnomAD) with an overall population frequency of 0.008% (identified on 21 out of 244,540 chromosomes). The arginine at position 655 is moderately conserved, considering 12 species, and computational analyses of the effects of the p.Arg655Gln variant on protein structure and function make conflicting predictions (SIFT: tolerated, PolyPhen-2: probably damaging). Based on the available information, the clinical significance of the p.Arg655Gln variant cannot be determined with certainty.

NM_182961.4(SYNE1):c.1943G>A (p.Arg648Gln)

Gene: SYNE1 (spectrin repeat containing nuclear envelope protein 1; minus strand). Cytogenetic location: 6q25.2.
Variant type: single nucleotide variant.
Coding change: c.1943G>A on transcript NM_182961.4 (MANE Select); coding-DNA position 1943, G replaced by A.
Protein change: p.Arg648Gln; replaces arginine 648 with glutamine.
Molecular consequence: missense variant.
Genome position (GRCh38, 1-based): chr6:152,463,507, C>T on the plus strand (G>A on the coding strand, the complement: SYNE1 is on the minus strand). VCF-style: chr6-152463507-C-T. GRCh37 (hg19) VCF-style: chr6-152784642-C-T.
Other names: c.1964G>A, p.Arg655Gln (NM_033071.5); short protein forms R648Q, R655Q.
Identifiers: ClinVar variation 618411 (VCV000618411.16), dbSNP rs768605521, ClinGen allele CA4059261.
Genomic context (GRCh38, chr6:152,463,507, plus strand): 5'-ATTAGAAAATTGCCAGCATCGTTCATGGCAGTATGCTGCTGAATCCAATGAGGTAAATTT[C>T]GAAAAAAATCCTAAACAATAAATAATGCACAATATCATAAACCATAAACCAAATATCAGT-3'
Protein context (NP_892006.3, residues 638-658): QSENAKKDFF[Arg648Gln]NLPHWIQQHT